The following is an entry in ClinVar:

NM_000329.3(RPE65):c.826A>G (p.Met276Val)

Gene: RPE65 (retinoid isomerohydrolase RPE65; minus strand). Cytogenetic location: 1p31.3.
Variant type: single nucleotide variant.
Coding change: c.826A>G on transcript NM_000329.3 (MANE Select); coding-DNA position 826, A replaced by G.
Protein change: p.Met276Val; replaces methionine 276 with valine.
Molecular consequence: missense variant.
Genome position (GRCh38, 1-based): chr1:68,439,223, T>C on the plus strand (A>G on the coding strand, the complement: RPE65 is on the minus strand). VCF-style: chr1-68439223-T-C. GRCh37 (hg19) VCF-style: chr1-68904906-T-C.
Other names: c.718A>G, p.Met240Val (NM_001406853.1); c.550A>G, p.Met184Val (NM_001406856.1, NM_001406857.1); c.826A>G, p.Met276Val (NM_001406859.1); short protein forms M184V, M276V, M240V.
Identifiers: ClinVar variation 2099413 (VCV002099413.1), dbSNP rs752534184, ClinGen allele CA902387.

ClinVar aggregate classification (germline): Uncertain significance (1 of 4 stars; one submission).

Conditions:
Leber congenital amaurosis 2 (LCA2). Also called: AMAUROSIS CONGENITA OF LEBER II; Autosomal Recessive RPE65-Related Retinal Degeneration. Identifiers: Orphanet 65, MedGen C1859844, MONDO:0008765, OMIM 204100. Disease mechanism: loss of function.
Retinitis pigmentosa 20 (RP20). Identifiers: Orphanet 791, MedGen C3151086, MONDO:0013425, OMIM 613794.

Allele frequency attached by ClinVar (database versions not stated): ExAC 0.00001; gnomAD exomes 0.00001.
gnomAD v4.1: 3 of 1,614,098 alleles (0.00019%); highest among the groups gnomAD compares: South Asian, 0.0033%; no homozygotes.

Submission:

Labcorp Genetics (formerly Invitae), Labcorp
Classification: Uncertain significance for Leber congenital amaurosis 2; Retinitis pigmentosa 20. Last evaluated: 2022-03-11. Review status: criteria provided, single submitter. Criteria: Invitae Variant Classification Sherloc (09022015). Collection method: clinical testing. Allele origin: germline.
Comment: This sequence change replaces methionine, which is neutral and non-polar, with valine, which is neutral and non-polar, at codon 276 of the RPE65 protein (p.Met276Val). This variant is present in population databases (rs752534184, gnomAD 0.003%). This variant has not been reported in the literature in individuals affected with RPE65-related conditions. Algorithms developed to predict the effect of missense changes on protein structure and function are either unavailable or do not agree on the potential impact of this missense change (SIFT: "Tolerated"; PolyPhen-2: "Probably Damaging"; Align-GVGD: "Class C0"). In summary, the available evidence is currently insufficient to determine the role of this variant in disease. Therefore, it has been classified as a Variant of Uncertain Significance.